The following is an entry in ClinVar:

NM_017780.4(CHD7):c.2466A>T (p.Glu822Asp)

Gene: CHD7 (chromodomain helicase DNA binding protein 7; plus strand). Cytogenetic location: 8q12.2.
Variant type: single nucleotide variant.
Coding change: c.2466A>T on transcript NM_017780.4 (MANE Select); coding-DNA position 2466, A replaced by T.
Protein change: p.Glu822Asp; replaces glutamic acid 822 with aspartic acid.
Molecular consequence: missense variant. On other transcripts: intron variant (1).
Genome position (GRCh38, 1-based): chr8:60,808,240, A>T. VCF-style: chr8-60808240-A-T. GRCh37 (hg19) VCF-style: chr8-61720799-A-T.
Other names: c.1716+27190A>T (NM_001316690.1); short protein forms E822D.
Identifiers: ClinVar variation 1302714 (VCV001302714.6), dbSNP rs2150723930, ClinGen allele CA371303911.

ClinVar aggregate classification (germline): Uncertain significance. Review status: criteria provided, multiple submitters, no conflicts (2 of 4 stars). 2 submissions from 2 submitters: Uncertain significance (2). Last evaluated 2026-03-01.

Submissions (2):

CeGaT Center for Human Genetics Tuebingen
Classification: Uncertain significance. Last evaluated: 2026-03-01. Review status: criteria provided, single submitter. Criteria: CeGaT Center For Human Genetics Tuebingen Variant Classification Criteria Version 2. Collection method: clinical testing. Allele origin: germline. Affected: yes. Observed: 1 variant allele.
Comment: CHD7: PM2

GeneDx
Classification: Uncertain significance. Last evaluated: 2019-07-10. Review status: criteria provided, single submitter. Criteria: GeneDx Variant Classification Process June 2021. Collection method: clinical testing. Allele origin: germline. Affected: yes.
Comment: Not observed in large population cohorts (Lek et al., 2016); In silico analysis, which includes protein predictors and evolutionary conservation, supports that this variant does not alter protein structure/function; Has not been previously published as pathogenic or benign to our knowledge